The following is an entry in ClinVar:

ClinVar aggregate classification (germline): Likely pathogenic. Review status: criteria provided, multiple submitters, no conflicts (2 of 4 stars). 3 submissions from 3 submitters: Likely pathogenic (3). Last evaluated 2026-02-02.

Conditions:
Polycystic kidney disease, adult type (PKD1). Also called: POLYCYSTIC KIDNEY DISEASE, ADULT, TYPE I; Polycystic Kidney Disease 1, Autosomal Dominant; Polycystic kidney disease 1; Polycystic kidney disease 1, severe; POLYCYSTIC KIDNEY DISEASE 1 WITH OR WITHOUT POLYCYSTIC LIVER DISEASE; Polycystic Kidney, Autosomal Dominant. Identifiers: MedGen C3149841, MONDO:0008263, OMIM 173900.

Submissions (3):

Women's Health and Genetics/Laboratory Corporation of America, LabCorp
Classification: Likely pathogenic for Polycystic kidney disease, adult type. Last evaluated: 2026-02-02. Review status: criteria provided, single submitter. Criteria: LabCorp Variant Classification Summary - May 2015. Collection method: clinical testing. Allele origin: germline.
Comment: Variant summary: PKD1 c.7864-1G>A is located in a canonical splice-site and is predicted to affect mRNA splicing resulting in a significantly altered protein due to either exon skipping, shortening, or inclusion of intronic material. Variants that disrupt the consensus splice site are a relatively common cause of aberrant splicing and loss of PKD1 function. Several computational tools predict a significant impact on normal splicing: Four predict the variant abolishes a 3' acceptor site. However, these predictions have yet to be confirmed by functional studies. The variant was absent in 230534 control chromosomes. To our knowledge, no occurrence of c.7864-1G>A in individuals affected with PKD1-related conditions and no experimental evidence demonstrating its impact on protein function have been reported. ClinVar contains an entry for this variant (Variation ID: 2428940). Based on the evidence outlined above, the variant was classified as likely pathogenic.

GeneDx
Classification: Likely pathogenic. Last evaluated: 2025-12-19. Review status: criteria provided, single submitter. Criteria: GeneDx Variant Classification Process June 2021. Collection method: clinical testing. Allele origin: germline.
Comment: Canonical splice site variant predicted to result in an in-frame loss of the adjacent exon in a gene for which loss of function is a known mechanism of disease; Not observed at significant frequency in large population cohorts (gnomAD); Has not been previously published as pathogenic or benign to our knowledge

Fulgent Genetics
Classification: Likely pathogenic for Polycystic kidney disease, adult type. Last evaluated: 2024-04-16. Review status: criteria provided, single submitter. Criteria: ACMG Guidelines, 2015. Collection method: clinical testing. Allele origin: germline.

NM_001009944.3(PKD1):c.7864-1G>A

Gene: PKD1 (polycystin 1, transient receptor potential channel interacting; minus strand). Cytogenetic location: 16p13.3.
Variant type: single nucleotide variant.
Coding change: c.7864-1G>A on transcript NM_001009944.3 (MANE Select); the canonical splice acceptor site of the intron before coding-DNA position 7864, G replaced by A.
Molecular consequence: splice acceptor variant.
Genome position (GRCh38, 1-based): chr16:2,105,475, C>T on the plus strand (G>A on the coding strand, the complement: PKD1 is on the minus strand). VCF-style: chr16-2105475-C-T. GRCh37 (hg19) VCF-style: chr16-2155476-C-T.
Other names: c.7864-1G>A (NM_000296.4).
Identifiers: ClinVar variation 2428940 (VCV002428940.6), dbSNP rs2092305301, ClinGen allele CA394366427.